The following is an entry in ClinVar:

NM_024514.5(CYP2R1):c.1436C>A (p.Pro479Gln)

Genes: CYP2R1 (cytochrome P450 family 2 subfamily R member 1; minus strand), PDE3B (phosphodiesterase 3B; plus strand). Cytogenetic location: 11p15.2.
Variant type: single nucleotide variant.
Coding change: c.1436C>A on transcript NM_024514.5 (MANE Select); coding-DNA position 1436, C replaced by A.
Protein change: p.Pro479Gln; replaces proline 479 with glutamine.
Molecular consequence: missense variant. On other transcripts: non-coding transcript variant (12).
Genome position (GRCh38, 1-based): chr11:14,878,192, G>T on the plus strand (C>A on the coding strand, the complement: CYP2R1 is on the minus strand). VCF-style: chr11-14878192-G-T. GRCh37 (hg19) VCF-style: chr11-14899738-G-T.
Other names: c.737C>A, p.Pro246Gln (NM_001400565.1, NM_001400562.1, NM_001400563.1 and 1 more transcripts); c.458C>A, p.Pro153Gln (NM_001400566.1); c.1292C>A, p.Pro431Gln (NM_001400567.1); c.1391C>A, p.Pro464Gln (NM_001400568.1); c.1091C>A, p.Pro364Gln (NM_001377214.1, NM_001377215.1, NM_001377216.1 and 5 more transcripts); c.1274C>A, p.Pro425Gln (NM_001377217.1); short protein forms P246Q, P425Q, P431Q, P479Q, P153Q, P364Q, P464Q.
Identifiers: ClinVar variation 2127312 (VCV002127312.4), dbSNP rs1360336340, ClinGen allele CA379744394.
Genomic context (GRCh38, chr11:14,878,192, plus strand): 5'-TCAGCACAGATGAGGTAGGGTTGGGGCTGCAATGTCATGCCTAACCTGGGCTTCAGATCT[G>T]GAACTAGTTCATGTGGAAAATGCAAATGAAACCTCTGAAGCAATGCTGTAAAAAACAAGA-3'
Protein context (NP_078790.2, residues 469-489): FHLHFPHELV[Pro479Gln]DLKPRLGMTL

ClinVar aggregate classification (germline): Uncertain significance (1 of 4 stars; one submission).

Allele frequency attached by ClinVar (database versions not stated): gnomAD 0.00001; TOPMed 0.00002.
gnomAD v4.1: 1 of 1,613,092 alleles (0.000062%); highest among the groups gnomAD compares: African/African-American, 0.0013%; no homozygotes.

Submission:

Labcorp Genetics (formerly Invitae), Labcorp
Classification: Uncertain significance. Last evaluated: 2022-04-17. Review status: criteria provided, single submitter. Criteria: Invitae Variant Classification Sherloc (09022015). Collection method: clinical testing. Allele origin: germline.
Comment: This variant has not been reported in the literature in individuals affected with CYP2R1-related conditions. Algorithms developed to predict the effect of missense changes on protein structure and function (SIFT, PolyPhen-2, Align-GVGD) all suggest that this variant is likely to be disruptive. In summary, the available evidence is currently insufficient to determine the role of this variant in disease. Therefore, it has been classified as a Variant of Uncertain Significance. This variant is not present in population databases (gnomAD no frequency). This sequence change replaces proline, which is neutral and non-polar, with glutamine, which is neutral and polar, at codon 479 of the CYP2R1 protein (p.Pro479Gln).